The following is an entry in ClinVar:

ClinVar aggregate classification (germline): Likely benign. Review status: criteria provided, multiple submitters, no conflicts (2 of 4 stars). 5 submissions from 5 submitters: Likely benign (5). Last evaluated 2026-01-19.

Conditions:
Familial thoracic aortic aneurysm and aortic dissection (TAAD). Also called: Thoracic aortic aneurysms and dissections. Identifiers: Orphanet 91387, MedGen C4707243, MONDO:0019625.
Aneurysm-osteoarthritis syndrome. Also called: SMAD3-Related Loeys-Dietz Syndrome; ANEURYSMS-OSTEOARTHRITIS SYNDROME; LOEYS-DIETZ SYNDROME WITH OSTEOARTHRITIS; Loeys-Dietz syndrome, type 1C. Identifiers: Orphanet 284984, MedGen C3151087, MONDO:0013426, OMIM 613795.

Allele frequency attached by ClinVar (database versions not stated): gnomAD exomes below 0.00001 and 0.00001; ExAC 0.00002; TOPMed 0.00006; gnomAD 0.00009 and 0.00010; ESP Exome Variant Server 0.00015.
gnomAD v4.1: 30 of 1,598,960 alleles (0.0019%); highest among the groups gnomAD compares: African/African-American, 0.036%; no homozygotes.

Submissions (5):

Women's Health and Genetics/Laboratory Corporation of America, LabCorp
Classification: Likely benign. Last evaluated: 2026-01-19. Review status: criteria provided, single submitter. Criteria: LabCorp Variant Classification Summary - May 2015. Collection method: clinical testing. Allele origin: germline.

Labcorp Genetics (formerly Invitae), Labcorp
Classification: Likely benign for Familial thoracic aortic aneurysm and aortic dissection. Last evaluated: 2025-11-02. Review status: criteria provided, single submitter. Criteria: Invitae Variant Classification Sherloc (09022015). Collection method: clinical testing. Allele origin: germline.

Ambry Genetics
Classification: Likely benign for Familial thoracic aortic aneurysm and aortic dissection. Last evaluated: 2024-09-19. Review status: criteria provided, single submitter. Criteria: Ambry Variant Classification Scheme 2023. Collection method: clinical testing. Allele origin: germline.

All of Us Research Program, National Institutes of Health
Classification: Likely benign for Aneurysm-osteoarthritis syndrome. Last evaluated: 2023-09-04. Review status: criteria provided, single submitter. Criteria: ACMG Guidelines, 2015. Collection method: clinical testing. Allele origin: germline. Inheritance: Autosomal dominant inheritance. Observed: 7 variant alleles, 7 heterozygotes.
Comment: This study involves interpretation of variants in research participants for the purpose of population health screening. Participant phenotype was not available at the time of variant classification. Additional details can be found in publication PMID: 35346344, PMCID: PMC8962531

Color Diagnostics, LLC DBA Color Health
Classification: Likely benign for Familial thoracic aortic aneurysm and aortic dissection. Last evaluated: 2022-11-06. Review status: criteria provided, single submitter. Criteria: ACMG Guidelines, 2015. Collection method: clinical testing. Allele origin: germline.

NM_005902.4(SMAD3):c.9C>T (p.Ser3=)

Genes: SMAD3 (SMAD family member 3; plus strand), LOC130057352 (ATAC-STARR-seq lymphoblastoid silent region 6574; plus strand). Cytogenetic location: 15q22.33.
Variant type: single nucleotide variant.
Coding change: c.9C>T on transcript NM_005902.4 (MANE Select); coding-DNA position 9, C replaced by T.
Protein change: p.Ser3=; no amino-acid change (serine 3 retained).
Molecular consequence: synonymous variant.
Genome position (GRCh38, 1-based): chr15:67,066,163, C>T. VCF-style: chr15-67066163-C-T. GRCh37 (hg19) VCF-style: chr15-67358501-C-T.
Identifiers: ClinVar variation 263814 (VCV000263814.11), dbSNP rs149022137, ClinGen allele CA062888.